The following is an entry in ClinVar:

ClinVar aggregate classification (germline): Likely benign. Review status: reviewed by expert panel (3 of 4 stars). 4 submissions from 4 submitters: Likely benign (1). 3 of the submissions do not count toward it. Last evaluated 2017-06-29.

Conditions:
Hereditary cancer-predisposing syndrome. Also called: Neoplastic Syndromes, Hereditary; Hereditary Cancer Syndrome; Tumor predisposition; Hereditary neoplastic syndrome. Identifiers: Orphanet 140162, MedGen C0027672, MeSH D009386, MONDO:0015356.
Hereditary breast ovarian cancer syndrome. Also called: Breast and ovarian cancer; BRCA1- and BRCA2-Associated Hereditary Breast and Ovarian Cancer; Hereditary breast and ovarian cancer syndrome; Hereditary breast and ovarian cancer syndrome (HBOC); Hereditary breast and/or ovarian cancer syndrome; Hereditary breast and ovarian cancer. Identifiers: Orphanet 145, MedGen C0677776, MeSH D061325, MONDO:0003582. Disease mechanism: loss of function.
Breast-ovarian cancer, familial, susceptibility to, 2 (BROVCA2). Also called: BRCA2 Hereditary Breast and Ovarian Cancer. Identifiers: Orphanet 145, MedGen C2675520, MONDO:0012933, OMIM 612555. Disease mechanism: loss of function.

Submissions (4):

Evidence-based Network for the Interpretation of Germline Mutant Alleles (ENIGMA)
Classification: Likely benign for Breast-ovarian cancer, familial, susceptibility to, 2. Last evaluated: 2017-06-29. Review status: reviewed by expert panel. Criteria: ENIGMA BRCA1/2 Classification Criteria (2017-06-29). Collection method: curation. Allele origin: germline.
Comment: Synonymous substitution variant, with low bioinformatic likelihood to result in a splicing aberration (Splicing prior probability 0.02).

Ambry Genetics
Classification: Likely benign for Hereditary cancer-predisposing syndrome. Last evaluated: 2025-10-30. Review status: criteria provided, single submitter. Criteria: Ambry Variant Classification Scheme 2023. Collection method: clinical testing. Allele origin: germline. Not counted in ClinVar's aggregate classification.

Blueprint Genetics
Classification: Likely benign. Last evaluated: 2024-07-04. Review status: criteria provided, single submitter. Criteria: ACMG Guidelines, 2015. Collection method: clinical testing. Allele origin: germline. Not counted in ClinVar's aggregate classification.

Labcorp Genetics (formerly Invitae), Labcorp
Classification: Likely benign for Hereditary breast and ovarian cancer syndrome. Last evaluated: 2019-12-31. Review status: criteria provided, single submitter. Criteria: Invitae Variant Classification Sherloc (09022015). Collection method: clinical testing. Allele origin: germline. Not counted in ClinVar's aggregate classification.

NM_000059.4(BRCA2):c.3669T>C (p.His1223=)

Gene: BRCA2 (BRCA2 DNA repair associated; plus strand). Cytogenetic location: 13q13.1.
Variant type: single nucleotide variant.
Coding change: c.3669T>C on transcript NM_000059.4 (MANE Select); coding-DNA position 3669, T replaced by C.
Protein change: p.His1223=; no amino-acid change (histidine 1223 retained).
Molecular consequence: synonymous variant.
Genome position (GRCh38, 1-based): chr13:32,338,024, T>C. VCF-style: chr13-32338024-T-C. GRCh37 (hg19) VCF-style: chr13-32912161-T-C.
Identifiers: ClinVar variation 236854 (VCV000236854.9), dbSNP rs878853572, ClinGen allele CA10583092.